The following is an entry in ClinVar:

ClinVar aggregate classification (germline): Likely pathogenic (1 of 4 stars; one submission).

Conditions:
DYRK1A-related intellectual disability syndrome (MRD7). Also called: DYRK1A Syndrome; Intellectual developmental disorder, autosomal dominant 7. Identifiers: Orphanet 464306, MedGen C5568143, MONDO:0013578, OMIM 614104.

Submission:

Broad Center for Mendelian Genomics, Broad Institute of MIT and Harvard
Classification: Likely pathogenic for DYRK1A-related intellectual disability syndrome. Last evaluated: 2024-03-12. Review status: criteria provided, single submitter. Criteria: ACMG Guidelines, 2015. Collection method: curation. Allele origin: germline. Inheritance: Autosomal dominant inheritance.
Comment: Trio exome analysis showed this variant to be de novo. We believe this is a possible phenotype expansion for MRD7. This variant was absent from large population studies. This variant is predicted to cause a frameshift, which alters the protein’s amino acid sequence beginning at position 66 and leads to a premature termination codon 1 amino acids downstream. This alteration is then predicted to lead to a truncated or absent protein. Heterozygous loss of function of the DYRK1A gene is strongly associated with autosomal dominant intellectual developmental disorder-7 (MRD7). In summary, although additional studies are required to fully establish its clinical significance, this variant is likely pathogenic for autosomal dominant intellectual developmental disorder-7 (MRD7). ACMG/AMP Criteria applied: PVS1_Strong, PM2_Supporting, PS2_Supporting (Richards 2015).

Literature cited by the submitters: PubMed 39033378.

NM_001347721.2(DYRK1A):c.196_200del (p.Pro65_Leu66insTer)

Gene: DYRK1A (dual specificity tyrosine phosphorylation regulated kinase 1A; plus strand). Cytogenetic location: 21q22.13.
Variant type: Deletion.
Coding change: c.196_200del on transcript NM_001347721.2 (MANE Select); coding-DNA positions 196 to 200, 5 bases deleted (CTAAC; older notation c.196_200delCTAAC).
Protein change: p.Pro65_Leu66insTer.
Molecular consequence: nonsense.
Genome position (GRCh38, 1-based): chr21:37,472,869-37,472,873, CTAAC deleted. VCF-style (leftmost placement, unchanged base first): chr21-37472868-TCTAAC-T. GRCh37 (hg19) VCF-style: chr21-38845170-TCTAAC-T.
Other names: NM_001396.5:c.196_200del; c.196_200del, p.Pro65_Leu66insTer (NM_001347722.2, NM_001396.5, NM_101395.2 and 2 more transcripts); c.109_113del, p.Pro36_Leu37insTer (NM_001347723.2).
Identifiers: ClinVar variation 3061821 (VCV003061821.1), dbSNP rs2517958077, ClinGen allele CA2511295497.